The following is an entry in ClinVar:

NM_001128148.3(TFRC):c.634C>G (p.Leu212Val)

Gene: TFRC (transferrin receptor; minus strand). Cytogenetic location: 3q29.
Variant type: single nucleotide variant.
Coding change: c.634C>G on transcript NM_001128148.3 (MANE Select); coding-DNA position 634, C replaced by G.
Protein change: p.Leu212Val; replaces leucine 212 with valine.
Molecular consequence: missense variant. On other transcripts: 5 prime UTR variant (1).
Genome position (GRCh38, 1-based): chr3:196,071,449, G>C on the plus strand (C>G on the coding strand, the complement: TFRC is on the minus strand). VCF-style: chr3-196071449-G-C. GRCh37 (hg19) VCF-style: chr3-195798320-G-C.
Other names: c.391C>G, p.Leu131Val (NM_001313965.2); c.-213C>G (NM_001313966.2); c.634C>G, p.Leu212Val (NM_003234.4); short protein forms L131V, L212V.
Identifiers: ClinVar variation 1166180 (VCV001166180.9), dbSNP rs41301381, ClinGen allele CA2778238.

ClinVar aggregate classification (germline): Benign/Likely benign. Review status: criteria provided, multiple submitters, no conflicts (2 of 4 stars). 3 submissions from 3 submitters: Benign (2); Likely benign (1). Last evaluated 2026-02-13.

Allele frequency attached by ClinVar (database versions not stated): ESP Exome Variant Server 0.00023; gnomAD 0.00062 and 0.00094; 1000 Genomes Project 30x 0.00312; 1000 Genomes Project 0.00379.
gnomAD v4.1: 1,325 of 1,614,032 alleles (0.082%); highest among the groups gnomAD compares: East Asian, 2.6%; 12 homozygotes.

Submissions (3):

Women's Health and Genetics/Laboratory Corporation of America, LabCorp
Classification: Likely benign. Last evaluated: 2026-02-13. Review status: criteria provided, single submitter. Criteria: LabCorp Variant Classification Summary - May 2015. Collection method: clinical testing. Allele origin: germline.
Comment: Variant summary: TFRC c.634C>G (p.Leu212Val) results in a conservative amino acid change in the encoded protein sequence. Algorithms developed to predict the effect of missense changes on protein structure and function all suggest that this variant is likely to be tolerated. The variant allele was found at a frequency of 0.002 in 251474 control chromosomes, predominantly at a frequency of 0.026 within the East Asian subpopulation in the gnomAD database, including 7 homozygotes. The observed variant frequency within East Asian control individuals in the gnomAD database exceeds the estimated maximal expected allele frequency for disease-causing variants in TFRC. To our knowledge, no occurrence of c.634C>G in individuals affected with TFRC-related conditions and no experimental evidence demonstrating its impact on protein function have been reported. ClinVar contains an entry for this variant (Variation ID: 1166180). Based on the evidence outlined above, the variant was classified as likely benign.

Labcorp Genetics (formerly Invitae), Labcorp
Classification: Benign. Last evaluated: 2026-02-02. Review status: criteria provided, single submitter. Criteria: Invitae Variant Classification Sherloc (09022015). Collection method: clinical testing. Allele origin: germline.

Breakthrough Genomics
Classification: Benign. Review status: criteria provided, single submitter. Criteria: ACMG Guidelines, 2015. Collection method: not provided. Allele origin: germline. Inheritance: Autosomal recessive inheritance. Affected: yes.